The following is an entry in ClinVar:

NM_206933.4(USH2A):c.8716A>T (p.Asn2906Tyr)

Gene: USH2A (usherin; minus strand). Cytogenetic location: 1q41.
Variant type: single nucleotide variant.
Coding change: c.8716A>T on transcript NM_206933.4 (MANE Select); coding-DNA position 8716, A replaced by T.
Protein change: p.Asn2906Tyr; replaces asparagine 2906 with tyrosine.
Molecular consequence: missense variant.
Genome position (GRCh38, 1-based): chr1:215,867,136, T>A on the plus strand (A>T on the coding strand, the complement: USH2A is on the minus strand). VCF-style: chr1-215867136-T-A. GRCh37 (hg19) VCF-style: chr1-216040478-T-A.
Other names: short protein forms N2906Y.
Identifiers: ClinVar variation 3900172 (VCV003900172.2).
Genomic context (GRCh38, chr1:215,867,136, plus strand): 5'-CTGGAAGACCAGCTAACGTTGTCACAGTCACTTCTCGGCTCGGTGTAAAACCCACACTGT[T>A]GTGTACGAAGAGCATATATTCATAGGTTGTAAACCTAAAATGTTGTTTTGTTAAAAAAAG-3'
Protein context (NP_996816.3, residues 2896-2916): TTYEYMLFVH[Asn2906Tyr]SVGFTPSREV

ClinVar aggregate classification (germline): Uncertain significance. Review status: criteria provided, multiple submitters, no conflicts (2 of 4 stars). 2 submissions from 2 submitters: Uncertain significance (2). Last evaluated 2025-08-05.

Conditions:
Usher syndrome type 2A. Also called: RETINAL DISEASE IN USHER SYNDROME TYPE IIA, MODIFIER OF; USHER SYNDROME, TYPE IIA. Identifiers: Orphanet 231178, Orphanet 886, MedGen C1848634, MONDO:0010169, OMIM 276901.

gnomAD v4.1: 6 of 1,614,002 alleles (0.00037%); highest among the groups gnomAD compares: Non-Finnish European, 0.00051%; no homozygotes.

Submissions (2):

3billion
Classification: Uncertain significance for Usher syndrome type 2A. Last evaluated: 2025-08-05. Review status: criteria provided, single submitter. Criteria: ACMG Guidelines, 2015. Collection method: clinical testing. Allele origin: germline. Affected: yes.
Comment: The variant is observed at an extremely low frequency in the gnomAD v4.1.0 dataset (total allele frequency: <0.001%). Predicted Consequence/Location: Missense variant In silico tool predictions suggest damaging effect of the variant on gene or gene product [REVEL: 0.68 (>=0.6, sensitivity 0.68 and specificity 0.92)]. The variant has been reported as of uncertain significance (ClinVar ID: VCV003900172). Therefore, this variant is classified as VUS according to the recommendation of ACMG/AMP guideline.

GeneDx
Classification: Uncertain significance. Last evaluated: 2024-11-26. Review status: criteria provided, single submitter. Criteria: GeneDx Variant Classification Process June 2021. Collection method: clinical testing. Allele origin: germline. Affected: yes.
Comment: Not observed at significant frequency in large population cohorts (gnomAD); In silico analysis supports that this missense variant has a deleterious effect on protein structure/function; In silico analysis suggests this variant may impact gene splicing. In the absence of RNA/functional studies, the actual effect of this sequence change is unknown.; Has not been previously published as pathogenic or benign to our knowledge